The following is an entry in ClinVar:

NM_153676.4(USH1C):c.2348C>T (p.Ala783Val)

Gene: USH1C (USH1 protein network component harmonin; minus strand). Cytogenetic location: 11p15.1.
Variant type: single nucleotide variant.
Coding change: c.2348C>T on transcript NM_153676.4 (MANE Select); coding-DNA position 2348, C replaced by T.
Protein change: p.Ala783Val; replaces alanine 783 with valine.
Molecular consequence: missense variant. On other transcripts: non-coding transcript variant (1).
Genome position (GRCh38, 1-based): chr11:17,501,083, G>A on the plus strand (C>T on the coding strand, the complement: USH1C is on the minus strand). VCF-style: chr11-17501083-G-A. GRCh37 (hg19) VCF-style: chr11-17522630-G-A.
Other names: c.1391C>T, p.Ala464Val (NM_001297764.2); c.1448C>T, p.Ala483Val (NM_005709.4); c.1448C>T (NM_005709.3); short protein forms A464V, A483V, A783V.
Identifiers: ClinVar variation 2269681 (VCV002269681.8), dbSNP rs1849423397, ClinGen allele CA379802997.
Genomic context (GRCh38, chr11:17,501,083, plus strand): 5'-AACCTGGGTGTGGCTAGTCTCCACTCACCATGCCGCTCAGCAGCTCCCCGCTCATACACA[G>A]CAGAAACGACCACCTTCCCAATGGGGGAGTCCACACCGCCTTCCAGGGCCAGGTCTAAGG-3'
Protein context (NP_710142.1, residues 773-793): DSPIGKVVVS[Ala783Val]VYERGAAERH

ClinVar aggregate classification (germline): Uncertain significance. Review status: criteria provided, multiple submitters, no conflicts (2 of 4 stars). 2 submissions from 2 submitters: Uncertain significance (2). Last evaluated 2022-07-24.

Conditions:
Inborn genetic diseases. Identifiers: MedGen C0950123, MeSH D030342.

Allele frequency attached by ClinVar (database versions not stated): gnomAD exomes below 0.00001; TOPMed below 0.00001.
gnomAD v4.1: 2 of 1,614,038 alleles (0.00012%); highest among the groups gnomAD compares: Non-Finnish European, 0.00017%; no homozygotes.

Submissions (2):

Labcorp Genetics (formerly Invitae), Labcorp
Classification: Uncertain significance. Last evaluated: 2022-07-24. Review status: criteria provided, single submitter. Criteria: Invitae Variant Classification Sherloc (09022015). Collection method: clinical testing. Allele origin: germline.
Comment: In summary, the available evidence is currently insufficient to determine the role of this variant in disease. Therefore, it has been classified as a Variant of Uncertain Significance. Algorithms developed to predict the effect of missense changes on protein structure and function (SIFT, PolyPhen-2, Align-GVGD) all suggest that this variant is likely to be tolerated. This variant has not been reported in the literature in individuals affected with USH1C-related conditions. This variant is not present in population databases (gnomAD no frequency). This sequence change replaces alanine, which is neutral and non-polar, with valine, which is neutral and non-polar, at codon 483 of the USH1C protein (p.Ala483Val).

Ambry Genetics
Classification: Uncertain significance for Inborn genetic diseases. Last evaluated: 2022-01-04. Review status: criteria provided, single submitter. Criteria: Ambry Variant Classification Scheme 2023. Collection method: clinical testing. Allele origin: germline.